The following is an entry in ClinVar:

ClinVar aggregate classification (germline): Likely benign. Review status: criteria provided, multiple submitters, no conflicts (2 of 4 stars). 2 submissions from 2 submitters: Likely benign (2). Last evaluated 2026-09-04.

Conditions:
FHOD3-related disorder. Also called: FHOD3-related condition.

gnomAD v4.1: 45 of 1,535,882 alleles (0.0029%); highest among the groups gnomAD compares: Middle Eastern, 0.033%; no homozygotes.

Submissions (2):

PreventionGenetics, part of Exact Sciences
Classification: Likely benign for FHOD3-related condition. Last evaluated: 2026-09-04. Review status: criteria provided, single submitter. Criteria: ACMG Guidelines, 2015. Collection method: clinical testing. Allele origin: germline.
Comment: This variant is classified as likely benign based on ACMG/AMP sequence variant interpretation guidelines (Richards et al. 2015 PMID: 25741868, with internal and published modifications).

Blueprint Genetics
Classification: Likely benign. Last evaluated: 2022-01-26. Review status: criteria provided, single submitter. Criteria: ACMG Guidelines, 2015. Collection method: clinical testing. Allele origin: germline.

NM_001281740.3(FHOD3):c.1497C>G (p.Ser499=)

Gene: FHOD3 (formin homology 2 domain containing 3; plus strand). Cytogenetic location: 18q12.2.
Variant type: single nucleotide variant.
Coding change: c.1497C>G on transcript NM_001281740.3 (MANE Select); coding-DNA position 1497, C replaced by G.
Protein change: p.Ser499=; no amino-acid change (serine 499 retained).
Molecular consequence: synonymous variant. On other transcripts: intron variant (2).
Genome position (GRCh38, 1-based): chr18:36,652,780, C>G. VCF-style: chr18-36652780-C-G. GRCh37 (hg19) VCF-style: chr18-34232743-C-G.
Other names: c.1497C>G (NM_001281740.2); c.1197-5295C>G (NM_025135.5, NM_001281739.3).
Identifiers: ClinVar variation 4938749 (VCV004938749.2).